The following is an entry in ClinVar:

ClinVar aggregate classification (germline): Likely benign. Review status: criteria provided, multiple submitters, no conflicts (2 of 4 stars). 3 submissions from 3 submitters: Likely benign (3). Last evaluated 2026-08-08.

Conditions:
TTN-related disorder. Also called: TTN-related condition; TTN-related disease; TTN-related disorders.
Cardiovascular phenotype. Identifiers: MedGen CN230736.
Dilated cardiomyopathy 1G (CMD1G). Identifiers: Orphanet 154, MedGen C1858763, MONDO:0011400, OMIM 604145.
Autosomal recessive limb-girdle muscular dystrophy type 2J (LGMDR10). Also called: Limb-girdle muscular dystrophy, type 2J; MUSCULAR DYSTROPHY, LIMB-GIRDLE, AUTOSOMAL RECESSIVE 10. Identifiers: Orphanet 140922, MedGen C1837342, MONDO:0012127, OMIM 608807.

gnomAD v4.1: 2 of 1,610,764 alleles (0.00012%); highest among the groups gnomAD compares: African/African-American, 0.0013%; no homozygotes.

Submissions (3):

PreventionGenetics, part of Exact Sciences
Classification: Likely benign for TTN-related condition. Last evaluated: 2026-08-08. Review status: criteria provided, single submitter. Criteria: ACMG Guidelines, 2015. Collection method: clinical testing. Allele origin: germline.
Comment: This variant is classified as likely benign based on ACMG/AMP sequence variant interpretation guidelines (Richards et al. 2015 PMID: 25741868, with internal and published modifications).

Labcorp Genetics (formerly Invitae), Labcorp
Classification: Likely benign for Dilated cardiomyopathy 1G; Autosomal recessive limb-girdle muscular dystrophy type 2J. Last evaluated: 2025-04-20. Review status: criteria provided, single submitter. Criteria: Invitae Variant Classification Sherloc (09022015). Collection method: clinical testing. Allele origin: germline.

Ambry Genetics
Classification: Likely benign for Cardiovascular phenotype. Last evaluated: 2024-06-24. Review status: criteria provided, single submitter. Criteria: Ambry Variant Classification Scheme 2023. Collection method: clinical testing. Allele origin: germline.

NM_001267550.2(TTN):c.84420C>T (p.Tyr28140=)

Genes: TTN (titin; minus strand), TTN-AS1 (TTN antisense RNA 1; plus strand). Cytogenetic location: 2q31.2.
Variant type: single nucleotide variant.
Coding change: c.84420C>T on transcript NM_001267550.2 (MANE Select); coding-DNA position 84420, C replaced by T.
Protein change: p.Tyr28140=; no amino-acid change (tyrosine 28140 retained).
Molecular consequence: synonymous variant.
Genome position (GRCh38, 1-based): chr2:178,561,712, G>A on the plus strand (C>T on the coding strand, the complement: TTN is on the minus strand). VCF-style: chr2-178561712-G-A. GRCh37 (hg19) VCF-style: chr2-179426439-G-A.
Other names: c.79497C>T, p.Tyr26499= (NM_001256850.1); c.57225C>T, p.Tyr19075= (NM_003319.4); c.76716C>T, p.Tyr25572= (NM_133378.4); c.57600C>T, p.Tyr19200= (NM_133432.3); c.57801C>T, p.Tyr19267= (NM_133437.4).
Identifiers: ClinVar variation 3330154 (VCV003330154.3).
Genomic context (GRCh38, chr2:178,561,712, plus strand): 5'-AGTACCAGGAGGACCTGGGGGACTGAATGGATACTCTGCAACAACAGCTGAAGATTCACT[G>A]TAGGAGCTCTTTCCATAGCGGTTTTCTGCACAAACACGGAACTGATACTCACTTCCTGTT-3'
Protein context (NP_001254479.2, residues 28130-28150): CAENRYGKSS[Tyr28140=]SESSAVVAEY